The following is an entry in ClinVar:

ClinVar aggregate classification (germline): Likely benign. Review status: reviewed by expert panel (3 of 4 stars). 3 submissions from 3 submitters: Likely benign (1). 2 of the submissions do not count toward it. Last evaluated 2017-06-29.

Conditions:
Hereditary cancer-predisposing syndrome. Also called: Tumor predisposition; Hereditary Cancer Syndrome; Hereditary neoplastic syndrome; Neoplastic Syndromes, Hereditary. Identifiers: Orphanet 140162, MedGen C0027672, MeSH D009386, MONDO:0015356.
Hereditary breast ovarian cancer syndrome. Also called: Hereditary breast and ovarian cancer; Breast and ovarian cancer; BRCA1- and BRCA2-Associated Hereditary Breast and Ovarian Cancer; Hereditary breast and ovarian cancer syndrome; Hereditary breast and ovarian cancer syndrome (HBOC); Hereditary breast and/or ovarian cancer syndrome. Identifiers: Orphanet 145, MedGen C0677776, MeSH D061325, MONDO:0003582. Disease mechanism: loss of function.
Breast-ovarian cancer, familial, susceptibility to, 2 (BROVCA2). Also called: BRCA2 Hereditary Breast and Ovarian Cancer. Identifiers: Orphanet 145, MedGen C2675520, MONDO:0012933, OMIM 612555. Disease mechanism: loss of function.

Allele frequency attached by ClinVar (database versions not stated): gnomAD exomes below 0.00001.
gnomAD v4.1: 3 of 1,613,652 alleles (0.00019%); highest among the groups gnomAD compares: Non-Finnish European, 0.00025%; no homozygotes.

Submissions (3):

Evidence-based Network for the Interpretation of Germline Mutant Alleles (ENIGMA)
Classification: Likely benign for Breast-ovarian cancer, familial, susceptibility to, 2. Last evaluated: 2017-06-29. Review status: reviewed by expert panel. Criteria: ENIGMA BRCA1/2 Classification Criteria (2017-06-29). Collection method: curation. Allele origin: germline.
Comment: Synonymous substitution variant, with low bioinformatic likelihood to result in a splicing aberration (Splicing prior probability 0.02).

Labcorp Genetics (formerly Invitae), Labcorp
Classification: Likely benign for Hereditary breast ovarian cancer syndrome. Last evaluated: 2025-07-23. Review status: criteria provided, single submitter. Criteria: Invitae Variant Classification Sherloc (09022015). Collection method: clinical testing. Allele origin: germline. Not counted in ClinVar's aggregate classification.

Ambry Genetics
Classification: Likely benign for Hereditary cancer-predisposing syndrome. Last evaluated: 2023-05-01. Review status: criteria provided, single submitter. Criteria: Ambry Variant Classification Scheme 2023. Collection method: clinical testing. Allele origin: germline. Not counted in ClinVar's aggregate classification.

NM_000059.4(BRCA2):c.7431T>C (p.Pro2477=)

Gene: BRCA2 (BRCA2 DNA repair associated; plus strand). Cytogenetic location: 13q13.1.
Variant type: single nucleotide variant.
Coding change: c.7431T>C on transcript NM_000059.4 (MANE Select); coding-DNA position 7431, T replaced by C.
Protein change: p.Pro2477=; no amino-acid change (proline 2477 retained).
Molecular consequence: synonymous variant.
Genome position (GRCh38, 1-based): chr13:32,355,284, T>C. VCF-style: chr13-32355284-T-C. GRCh37 (hg19) VCF-style: chr13-32929421-T-C.
Identifiers: ClinVar variation 236900 (VCV000236900.15), dbSNP rs878853601, ClinGen allele CA10583127.